The following is an entry in ClinVar:

ClinVar aggregate classification (germline): Likely benign. Review status: criteria provided, multiple submitters, no conflicts (2 of 4 stars). 2 submissions from 2 submitters: Likely benign (2). Last evaluated 2025-08-07.

Conditions:
PSEN1-related disorder. Also called: PSEN1-related condition.

gnomAD v4.1: 56 of 1,613,958 alleles (0.0035%); highest among the groups gnomAD compares: African/African-American, 0.059%; no homozygotes.

Submissions (2):

PreventionGenetics, part of Exact Sciences
Classification: Likely benign for PSEN1-related condition. Last evaluated: 2025-08-07. Review status: criteria provided, single submitter. Criteria: ACMG Guidelines, 2015. Collection method: clinical testing. Allele origin: germline.
Comment: This variant is classified as likely benign based on ACMG/AMP sequence variant interpretation guidelines (Richards et al. 2015 PMID: 25741868, with internal and published modifications).

Women's Health and Genetics/Laboratory Corporation of America, LabCorp
Classification: Likely benign. Last evaluated: 2024-09-25. Review status: criteria provided, single submitter. Criteria: LabCorp Variant Classification Summary - May 2015. Collection method: clinical testing. Allele origin: germline.

NM_000021.4(PSEN1):c.1233C>T (p.Phe411=)

Gene: PSEN1 (presenilin 1; plus strand). Cytogenetic location: 14q24.2.
Variant type: single nucleotide variant.
Coding change: c.1233C>T on transcript NM_000021.4 (MANE Select); coding-DNA position 1233, C replaced by T.
Protein change: p.Phe411=; no amino-acid change (phenylalanine 411 retained).
Molecular consequence: synonymous variant.
Genome position (GRCh38, 1-based): chr14:73,217,229, C>T. VCF-style: chr14-73217229-C-T. GRCh37 (hg19) VCF-style: chr14-73683937-C-T.
Other names: c.1233C>T (NM_000021.3); c.1221C>T, p.Phe407= (NM_007318.3).
Identifiers: ClinVar variation 3375217 (VCV003375217.2).
Genomic context (GRCh38, chr14:73,217,229, plus strand): 5'-TCTGGTTGGTAAAGCCTCAGCAACAGCCAGTGGAGACTGGAACACAACCATAGCCTGTTT[C>T]GTAGCCATATTAATTGTAAGTATACACTAATAAGAATGTGTCAGAGCTCTTAATGTCAAA-3'
Protein context (NP_000012.1, residues 401-421): SGDWNTTIAC[Phe411=]VAILIGLCLT